The following is an entry in ClinVar:

NM_015629.4(PRPF31):c.1074G>C (p.Arg358Ser)

Gene: PRPF31 (pre-mRNA processing factor 31; plus strand). Cytogenetic location: 19q13.42.
Variant type: single nucleotide variant.
Coding change: c.1074G>C on transcript NM_015629.4 (MANE Select); coding-DNA position 1074, G replaced by C.
Protein change: p.Arg358Ser; replaces arginine 358 with serine.
Molecular consequence: missense variant.
Genome position (GRCh38, 1-based): chr19:54,128,305, G>C. VCF-style: chr19-54128305-G-C. GRCh37 (hg19) VCF-style: chr19-54631680-G-C.
Other names: short protein forms R358S.
Identifiers: ClinVar variation 2758972 (VCV002758972.3), dbSNP rs2073969543, ClinGen allele CA407753579.

ClinVar aggregate classification (germline): Uncertain significance (1 of 4 stars; one submission).

Submission:

Labcorp Genetics (formerly Invitae), Labcorp
Classification: Uncertain significance. Last evaluated: 2023-09-11. Review status: criteria provided, single submitter. Criteria: Invitae Variant Classification Sherloc (09022015). Collection method: clinical testing. Allele origin: germline.
Comment: In summary, the available evidence is currently insufficient to determine the role of this variant in disease. Therefore, it has been classified as a Variant of Uncertain Significance. An algorithm developed to predict the effect of missense changes on protein structure and function (PolyPhen-2) suggests that this variant is likely to be disruptive. This variant has not been reported in the literature in individuals affected with PRPF31-related conditions. This variant is not present in population databases (gnomAD no frequency). This sequence change replaces arginine, which is basic and polar, with serine, which is neutral and polar, at codon 358 of the PRPF31 protein (p.Arg358Ser).